The following is an entry in ClinVar:

ClinVar aggregate classification (germline): Uncertain significance (1 of 4 stars; one submission).

gnomAD v4.1: 20 of 1,613,978 alleles (0.0012%); highest among the groups gnomAD compares: Non-Finnish European, 0.0017%; no homozygotes.

Submissions (2):

Clinical Genomics Laboratory, Washington University in St. Louis
Classification: Uncertain significance. Last evaluated: 2023-11-19. Review status: criteria provided, single submitter. Criteria: ACMG Guidelines, 2015. Collection method: clinical testing. Allele origin: germline.
Comment: The CYP51A1 c.1292G>T (p.Arg431Leu) variant, to our knowledge, has not been reported in the medical literature. This variant is absent from the general population (gnomAD v.2.1.1), indicating it is not a common variant. This variant occurs in an alpha helix, changes a positively charged arginine to a non-polar leucine and computational predictors indicate that the variant is damaging, evidence that correlates with impact to CYP51A1 function. Due to limited information, the clinical significance of this variant is uncertain.

Dr. Peter K. Rogan Lab, Western University
No classification provided (evidence only). Condition: Squamous cell carcinoma of the head and neck. Review status: no classification provided. Collection method: in vitro. Allele origin: not applicable. Functional consequence: retained intron. Not counted in ClinVar's aggregate classification.

NM_000786.4(CYP51A1):c.1292G>T (p.Arg431Leu)

Gene: CYP51A1 (cytochrome P450 family 51 subfamily A member 1; minus strand). Cytogenetic location: 7q21.2.
Variant type: single nucleotide variant.
Coding change: c.1292G>T on transcript NM_000786.4 (MANE Select); coding-DNA position 1292, G replaced by T.
Protein change: p.Arg431Leu; replaces arginine 431 with leucine.
Molecular consequence: missense variant.
Genome position (GRCh38, 1-based): chr7:92,117,103, C>A on the plus strand (G>T on the coding strand, the complement: CYP51A1 is on the minus strand). VCF-style: chr7-92117103-C-A. GRCh37 (hg19) VCF-style: chr7-91746417-C-A.
Other names: NC_000007.13:g.91746417C>A; c.977G>T, p.Arg326Leu (NM_001146152.2); short protein forms R326L, R431L.
Identifiers: ClinVar variation 3236637 (VCV003236637.2), dbSNP rs138109473, ClinGen allele CA368168968.
Genomic context (GRCh38, chr7:92,117,103, plus strand): 5'-CCAGCTCCAAATGGCACATAGGCAAACTTTTCCCCTGATGCTGGGTTATCCTGTAAGTAG[C>A]GATCAGGATTAAAGTCCAGGCGTTCTACCCATGAGTCTTTAAGTCTTTGATTGACAGTGG-3'
Protein context (NP_000777.1, residues 421-441): WVERLDFNPD[Arg431Leu]YLQDNPASGE